The following is an entry in ClinVar:

ClinVar aggregate classification (germline): Uncertain significance. Review status: criteria provided, multiple submitters, no conflicts (2 of 4 stars). 2 submissions from 2 submitters: Uncertain significance (2). Last evaluated 2026-05-22.

Conditions:
Hereditary breast ovarian cancer syndrome. Also called: Hereditary breast and ovarian cancer syndrome (HBOC); Hereditary breast and ovarian cancer syndrome; Breast and ovarian cancer; Hereditary breast and/or ovarian cancer syndrome; Hereditary breast and ovarian cancer; BRCA1- and BRCA2-Associated Hereditary Breast and Ovarian Cancer. Identifiers: Orphanet 145, MedGen C0677776, MeSH D061325, MONDO:0003582. Disease mechanism: loss of function.
Hereditary cancer-predisposing syndrome. Also called: Hereditary neoplastic syndrome; Neoplastic Syndromes, Hereditary; Tumor predisposition; Hereditary Cancer Syndrome. Identifiers: Orphanet 140162, MedGen C0027672, MeSH D009386, MONDO:0015356.

Submissions (2):

Ambry Genetics
Classification: Uncertain significance for Hereditary cancer-predisposing syndrome. Last evaluated: 2026-05-22. Review status: criteria provided, single submitter. Criteria: Ambry Variant Classification Scheme 2023. Collection method: clinical testing. Allele origin: germline.
Comment: The p.R133G variant (also known as c.397C>G), located in coding exon 5 of the BRCA1 gene, results from a C to G substitution at nucleotide position 397. The arginine at codon 133 is replaced by glycine, an amino acid with dissimilar properties. This amino acid position is highly conserved in available vertebrate species. In addition, this alteration is predicted to be deleterious by in silico analysis. Based on the available evidence, the clinical significance of this variant remains unclear.

Labcorp Genetics (formerly Invitae), Labcorp
Classification: Uncertain significance for Hereditary breast ovarian cancer syndrome. Last evaluated: 2025-11-03. Review status: criteria provided, single submitter. Criteria: Invitae Variant Classification Sherloc (09022015). Collection method: clinical testing. Allele origin: germline.
Comment: This sequence change replaces arginine, which is basic and polar, with glycine, which is neutral and non-polar, at codon 133 of the BRCA1 protein (p.Arg133Gly). This variant is not present in population databases (gnomAD no frequency). This variant has not been reported in the literature in individuals affected with BRCA1-related conditions. Invitae Evidence Modeling of protein sequence and biophysical properties (such as structural, functional, and spatial information, amino acid conservation, physicochemical variation, residue mobility, and thermodynamic stability) indicates that this missense variant is expected to disrupt BRCA1 protein function with a positive predictive value of 80%. In summary, the available evidence is currently insufficient to determine the role of this variant in disease. Therefore, it has been classified as a Variant of Uncertain Significance.

NM_007294.4(BRCA1):c.397C>G (p.Arg133Gly)

Gene: BRCA1 (BRCA1 DNA repair associated; minus strand). Cytogenetic location: 17q21.31.
Variant type: single nucleotide variant.
Coding change: c.397C>G on transcript NM_007294.4 (MANE Select); coding-DNA position 397, C replaced by G.
Protein change: p.Arg133Gly; replaces arginine 133 with glycine.
Molecular consequence: missense variant. On other transcripts: intron variant (2).
Genome position (GRCh38, 1-based): chr17:43,104,166, G>C on the plus strand (C>G on the coding strand, the complement: BRCA1 is on the minus strand). VCF-style: chr17-43104166-G-C. GRCh37 (hg19) VCF-style: chr17-41256183-G-C.
Other names: c.397C>G, p.Arg133Gly (NM_001407644.1, NM_001407645.1, NM_001407648.1 and 164 more transcripts); c.388C>G, p.Arg130Gly (NM_001407646.1, NM_001407647.1, NM_001408408.1); c.319C>G, p.Arg107Gly (NM_001407653.1, NM_001407654.1, NM_001407862.1 and 21 more transcripts); c.256C>G, p.Arg86Gly (NM_001407692.1, NM_001407729.1, NM_001407730.1 and 99 more transcripts); c.187C>G, p.Arg63Gly (NM_001407853.1, NM_001407895.1, NM_001407896.1 and 58 more transcripts); c.-218-9306C>G (NM_001407967.1, NM_001407966.1); c.16C>G, p.Arg6Gly (NM_001407959.1, NM_001407960.1, NM_001407962.1 and 4 more transcripts); c.265C>G, p.Arg89Gly (NM_001408451.1); short protein forms R107G, R130G, R133G, R63G, R6G, R86G, R89G.
Identifiers: ClinVar variation 4800870 (VCV004800870.2).